The following is an entry in ClinVar:

ClinVar aggregate classification (germline): Uncertain significance (1 of 4 stars; one submission).

Conditions:
Hereditary cancer-predisposing syndrome. Also called: Hereditary Cancer Syndrome; Hereditary neoplastic syndrome; Neoplastic Syndromes, Hereditary; Tumor predisposition. Identifiers: Orphanet 140162, MedGen C0027672, MeSH D009386, MONDO:0015356.

Submission:

Ambry Genetics
Classification: Uncertain significance for Hereditary cancer-predisposing syndrome. Last evaluated: 2025-04-05. Review status: criteria provided, single submitter. Criteria: Ambry Variant Classification Scheme 2023. Collection method: clinical testing. Allele origin: germline.
Comment: The p.K88E variant (also known as c.262A>G), located in coding exon 3 of the NF2 gene, results from an A to G substitution at nucleotide position 262. The lysine at codon 88 is replaced by glutamic acid, an amino acid with similar properties. This amino acid position is conserved. In addition, the in silico prediction for this alteration is inconclusive. Based on the available evidence, the clinical significance of this variant remains unclear.

NM_000268.4(NF2):c.262A>G (p.Lys88Glu)

Gene: NF2 (NF2, moesin-ezrin-radixin like (MERLIN) tumor suppressor; plus strand). Cytogenetic location: 22q12.2.
Variant type: single nucleotide variant.
Coding change: c.262A>G on transcript NM_000268.4 (MANE Select); coding-DNA position 262, A replaced by G.
Protein change: p.Lys88Glu; replaces lysine 88 with glutamic acid.
Molecular consequence: missense variant. On other transcripts: 5 prime UTR variant (1), intron variant (8).
Genome position (GRCh38, 1-based): chr22:29,639,111, A>G. VCF-style: chr22-29639111-A-G. GRCh37 (hg19) VCF-style: chr22-30035100-A-G.
Other names: c.148A>G, p.Lys50Glu (NM_001407056.1, NM_001407053.1); c.262A>G, p.Lys88Glu (NM_001407057.1, NM_001407059.1, NM_001407060.1 and 5 more transcripts); c.-379A>G (NM_001407065.1); c.31A>G, p.Lys11Glu (NM_001407067.1); c.136A>G, p.Lys46Glu (NM_181828.3, NM_001407055.1); c.240+2235A>G (NM_001407058.1, NM_181829.3, NM_001407054.1 and 1 more transcripts); c.115-3091A>G (NM_001407063.1, NM_181830.3, NM_001407064.1 and 1 more transcripts); short protein forms K11E, K50E, K88E, K46E.
Identifiers: ClinVar variation 3919131 (VCV003919131.1).